The following is an entry in ClinVar:

NM_153026.3(PRICKLE1):c.1942C>G (p.Arg648Gly)

Gene: PRICKLE1 (prickle planar cell polarity protein 1; minus strand). Cytogenetic location: 12q12.
Variant type: single nucleotide variant.
Coding change: c.1942C>G on transcript NM_153026.3 (MANE Select); coding-DNA position 1942, C replaced by G.
Protein change: p.Arg648Gly; replaces arginine 648 with glycine.
Molecular consequence: missense variant.
Genome position (GRCh38, 1-based): chr12:42,460,363, G>C on the plus strand (C>G on the coding strand, the complement: PRICKLE1 is on the minus strand). VCF-style: chr12-42460363-G-C. GRCh37 (hg19) VCF-style: chr12-42854165-G-C.
Other names: c.1942C>G, p.Arg648Gly (NM_001144881.2, NM_001144882.2, NM_001144883.2); c.1942C>G (NM_153026.2); short protein forms R648G.
Identifiers: ClinVar variation 597710 (VCV000597710.11), dbSNP rs370129051, ClinGen allele CA6519675.
Genomic context (GRCh38, chr12:42,460,363, plus strand): 5'-ATCCCCTCTCTTCAAAATTGTAGACGCGTCTCCGAGTCCTTTCACTCATCGGAGGCTGCC[G>C]GATTTCAATGTCATAGTTCCCATTGTCAATGACATCATCAGAAAACTTGACCTGCTGGGG-3'
Protein context (NP_694571.2, residues 638-658): IDNGNYDIEI[Arg648Gly]QPPMSERTRR

ClinVar aggregate classification (germline): Uncertain significance. Review status: criteria provided, multiple submitters, no conflicts (2 of 4 stars). 3 submissions from 3 submitters: Uncertain significance (3). Last evaluated 2025-08-02.

Conditions:
Epilepsy, progressive myoclonic, 1B. Also called: PME. Identifiers: Orphanet 308, MedGen C2676254, MONDO:0012904, OMIM 612437.

Allele frequency attached by ClinVar (database versions not stated): gnomAD 0.00003 and 0.00004; TOPMed 0.00004; ESP Exome Variant Server 0.00008; gnomAD exomes 0.00001; ExAC 0.00002.
gnomAD v4.1: 5 of 1,613,894 alleles (0.00031%); highest among the groups gnomAD compares: African/African-American, 0.0067%; no homozygotes.

Submissions (3):

Ambry Genetics
Classification: Uncertain significance. Last evaluated: 2025-08-02. Review status: criteria provided, single submitter. Criteria: Ambry Variant Classification Scheme 2023. Collection method: clinical testing. Allele origin: germline.

Labcorp Genetics (formerly Invitae), Labcorp
Classification: Uncertain significance for Epilepsy, progressive myoclonic, 1B. Last evaluated: 2022-01-01. Review status: criteria provided, single submitter. Criteria: Invitae Variant Classification Sherloc (09022015). Collection method: clinical testing. Allele origin: germline.
Comment: This sequence change replaces arginine, which is basic and polar, with glycine, which is neutral and non-polar, at codon 648 of the PRICKLE1 protein (p.Arg648Gly). This variant is present in population databases (rs370129051, gnomAD 0.02%). This variant has not been reported in the literature in individuals affected with PRICKLE1-related conditions. ClinVar contains an entry for this variant (Variation ID: 597710). Algorithms developed to predict the effect of missense changes on protein structure and function are either unavailable or do not agree on the potential impact of this missense change (SIFT: "Deleterious"; PolyPhen-2: "Benign"; Align-GVGD: "Class C0"). In summary, the available evidence is currently insufficient to determine the role of this variant in disease. Therefore, it has been classified as a Variant of Uncertain Significance.

Eurofins Ntd Llc (ga)
Classification: Uncertain significance. Last evaluated: 2018-06-28. Review status: criteria provided, single submitter. Criteria: EGL ClinVar v180209 classification definitions. Collection method: clinical testing. Allele origin: germline. Observed: 1 variant allele, 1 heterozygote.